The following is an entry in ClinVar:

NM_003126.4(SPTA1):c.4339-2A>C

Gene: SPTA1 (spectrin alpha, erythrocytic 1; minus strand). Cytogenetic location: 1q23.1.
Variant type: single nucleotide variant.
Coding change: c.4339-2A>C on transcript NM_003126.4 (MANE Select); the canonical splice acceptor site of the intron before coding-DNA position 4339, A replaced by C.
Molecular consequence: splice acceptor variant.
Genome position (GRCh38, 1-based): chr1:158,643,427, T>G on the plus strand (A>C on the coding strand, the complement: SPTA1 is on the minus strand). VCF-style: chr1-158643427-T-G. GRCh37 (hg19) VCF-style: chr1-158613217-T-G.
Other names: p.?.
Identifiers: ClinVar variation 994181 (VCV000994181.16), dbSNP rs368931075, ClinGen allele CA1182739.

ClinVar aggregate classification (germline): Conflicting classifications of pathogenicity. Review status: criteria provided, conflicting classifications (1 of 4 stars). 4 submissions from 4 submitters: Pathogenic (2); Likely pathogenic (1); Uncertain significance (1). Last evaluated 2024-06-03.

Allele frequency attached by ClinVar (database versions not stated): gnomAD exomes below 0.00001; ExAC 0.00001; gnomAD 0.00001; TOPMed 0.00001; ESP Exome Variant Server 0.00008.
gnomAD v4.1: 3 of 1,613,024 alleles (0.00019%); highest among the groups gnomAD compares: Non-Finnish European, 0.00025%; no homozygotes.

Submissions (4):

Mayo Clinic Laboratories, Mayo Clinic
Classification: Pathogenic. Last evaluated: 2024-06-03. Review status: criteria provided, single submitter. Criteria: ACMG Guidelines, 2015. Collection method: clinical testing. Allele origin: germline.
Comment: PP5, PM2_moderate, PVS1

Revvity Omics, Revvity
Classification: Likely pathogenic. Last evaluated: 2023-06-27. Review status: criteria provided, single submitter. Criteria: ACMG Guidelines, 2015. Collection method: clinical testing. Allele origin: germline.

ARUP Laboratories, Molecular Genetics and Genomics, ARUP Laboratories
Classification: Pathogenic. Last evaluated: 2019-12-02. Review status: criteria provided, single submitter. Criteria: ARUP Molecular Germline Variant Investigation Process. Collection method: clinical testing. Allele origin: germline.

Blueprint Genetics
Classification: Uncertain significance. Last evaluated: 2017-07-21. Review status: criteria provided, single submitter. Criteria: ACMG Guidelines, 2015. Collection method: clinical testing. Allele origin: germline.

Literature cited by the submitters: PubMed 31038472 (cited by Mayo Clinic Laboratories, Mayo Clinic).